The following is an entry in ClinVar:

NM_004304.5(ALK):c.4379_4381delinsGGG (p.Glu1460_Ile1461delinsGlyVal)

Gene: ALK (ALK receptor tyrosine kinase; minus strand). Cytogenetic location: 2p23.2.
Variant type: Indel.
Coding change: c.4379_4381delinsGGG on transcript NM_004304.5 (MANE Select); coding-DNA positions 4379 to 4381, AGA replaced by GGG.
Protein change: p.Glu1460_Ile1461delinsGlyVal.
Molecular consequence: missense variant.
Genome position (GRCh38, 1-based): chr2:29,193,706-29,193,708, TCT replaced by CCC on the plus strand (AGA replaced by GGG on the coding strand, the reverse complement: ALK is on the minus strand). VCF-style: chr2-29193706-TCT-CCC. GRCh37 (hg19) VCF-style: chr2-29416572-TCT-CCC.
Other names: c.1175_1177delinsGGG, p.Glu392_Ile393delinsGlyVal (NM_001353765.2).
Identifiers: ClinVar variation 3854603 (VCV003854603.1).
Genomic context (GRCh38, chr2:29,193,706, plus strand): 5'-AGAATGCCATATTCACGTGTCCCCCTTCCACGGCCGGCCCTCTAGGGACTCGAACAGAGA[TCT>CCC]CTGCAGCTGTGGGTTTCTTTGCAGCCTTGCCAGAGGAGGTGGTAGGCAGAGGTGGTGGGG-3'

ClinVar aggregate classification (germline): Uncertain significance (1 of 4 stars; one submission).

Conditions:
Hereditary cancer-predisposing syndrome. Also called: Hereditary neoplastic syndrome; Neoplastic Syndromes, Hereditary; Tumor predisposition; Hereditary Cancer Syndrome. Identifiers: Orphanet 140162, MedGen C0027672, MeSH D009386, MONDO:0015356.

Submission:

Ambry Genetics
Classification: Uncertain significance for Hereditary cancer-predisposing syndrome. Last evaluated: 2025-01-14. Review status: criteria provided, single submitter. Criteria: Ambry Variant Classification Scheme 2023. Collection method: clinical testing. Allele origin: germline.
Comment: The c.4379_4381delAGAinsGGG variant (also known as p.E1460_I1461delinsGV), located in coding exon 29 of the ALK gene, results from an in-frame deletion of AGA and insertion of GGG at nucleotide positions 4379 to 4381. This results in the substitution of glutamate and isoleucine residues for glycine and valine residues at codon 1460 and 1461. This amino acid region is not well conserved in available vertebrate species. Based on the available evidence, the clinical significance of this variant remains unclear.